The following is an entry in ClinVar:

NM_001374385.1(ATP8B1):c.*1940A>G

Genes: ATP8B1 (ATPase phospholipid transporting 8B1; minus strand), ATP8B1-AS1 (ATP8B1 antisense RNA 1; plus strand). Cytogenetic location: 18q21.31.
Variant type: single nucleotide variant.
Coding change: c.*1940A>G on transcript NM_001374385.1 (MANE Select); 1940 bases downstream of the stop codon, A replaced by G.
Molecular consequence: 3 prime UTR variant.
Genome position (GRCh38, 1-based): chr18:57,646,548, T>C on the plus strand (A>G on the coding strand, the complement: ATP8B1 is on the minus strand). VCF-style: chr18-57646548-T-C. GRCh37 (hg19) VCF-style: chr18-55313780-T-C.
Other names: c.*1940A>G (NM_001374386.1, NM_005603.6).
Identifiers: ClinVar variation 327439 (VCV000327439.6), dbSNP rs117693241, ClinGen allele CA10651944.

ClinVar aggregate classification (germline): Benign. Review status: criteria provided, multiple submitters, no conflicts (2 of 4 stars). 2 submissions from 2 submitters: Benign (2). Last evaluated 2018-01-13.

Conditions:
Progressive familial intrahepatic cholestasis type 1. Also called: BYLER DISEASE; Byler's disease; Severe ATP8B1 Deficiency (Progressive Familial Intrahepatic Cholestasis Type 1 [PFIC1]). Identifiers: Orphanet 79306, MedGen C4551898, MONDO:0008892, OMIM 211600.

Allele frequency attached by ClinVar (database versions not stated): gnomAD 0.00436 and 0.00485; gnomAD exomes 0.00472; TOPMed 0.00681; 1000 Genomes Project 0.01138; 1000 Genomes Project 30x 0.01156.
gnomAD v4.1: 748 of 152,778 alleles (0.49%); highest among the groups gnomAD compares: East Asian, 4.4%; 9 homozygotes.

Submissions (2):

Illumina Laboratory Services, Illumina
Classification: Benign for Progressive familial intrahepatic cholestasis type 1. Last evaluated: 2018-01-13. Review status: criteria provided, single submitter. Criteria: ICSL Variant Classification Criteria 13 December 2019. Collection method: clinical testing. Allele origin: germline.
Comment: This variant was observed in the ICSL laboratory as part of a predisposition screen in an ostensibly healthy population. It had not been previously curated by ICSL or reported in the Human Gene Mutation Database (HGMD: prior to June 1st, 2018), and was therefore a candidate for classification through an automated scoring system. Utilizing variant allele frequency, disease prevalence and penetrance estimates, and inheritance mode, an automated score was calculated to assess if this variant is too frequent to cause the disease. Based on the score and internal cut-off values, a variant classified as benign is not then subjected to further curation. The score for this variant resulted in a classification of benign for this disease.

Breakthrough Genomics
Classification: Benign. Review status: criteria provided, single submitter. Criteria: ACMG Guidelines, 2015. Collection method: not provided. Allele origin: germline. Inheritance: Autosomal recessive inheritance. Affected: yes.